The following is an entry in ClinVar:

NM_000124.4(ERCC6):c.2392G>A (p.Gly798Arg)

Gene: ERCC6 (ERCC excision repair 6, chromatin remodeling factor; minus strand). Cytogenetic location: 10q11.23.
Variant type: single nucleotide variant.
Coding change: c.2392G>A on transcript NM_000124.4 (MANE Select); coding-DNA position 2392, G replaced by A.
Protein change: p.Gly798Arg; replaces glycine 798 with arginine.
Molecular consequence: missense variant.
Genome position (GRCh38, 1-based): chr10:49,474,233, C>T on the plus strand (G>A on the coding strand, the complement: ERCC6 is on the minus strand). VCF-style: chr10-49474233-C-T. GRCh37 (hg19) VCF-style: chr10-50682279-C-T.
Other names: c.2392G>A, p.Gly798Arg (NM_001346440.2); short protein forms G798R.
Identifiers: ClinVar variation 1953722 (VCV001953722.3), dbSNP rs751703364, ClinGen allele CA5495651.

ClinVar aggregate classification (germline): Uncertain significance. Review status: criteria provided, multiple submitters, no conflicts (2 of 4 stars). 2 submissions from 2 submitters: Uncertain significance (2). Last evaluated 2025-02-01.

Conditions:
Inborn genetic diseases. Identifiers: MedGen C0950123, MeSH D030342.

Allele frequency attached by ClinVar (database versions not stated): gnomAD exomes 0.00001; TOPMed 0.00001; ExAC 0.00005; gnomAD 0.00005.
gnomAD v4.1: 24 of 1,613,520 alleles (0.0015%); highest among the groups gnomAD compares: Middle Eastern, 0.016%; no homozygotes.

Submissions (2):

Ambry Genetics
Classification: Uncertain significance for Inborn genetic diseases. Last evaluated: 2025-02-01. Review status: criteria provided, single submitter. Criteria: Ambry Variant Classification Scheme 2023. Collection method: clinical testing. Allele origin: germline.

Labcorp Genetics (formerly Invitae), Labcorp
Classification: Uncertain significance. Last evaluated: 2022-02-04. Review status: criteria provided, single submitter. Criteria: Invitae Variant Classification Sherloc (09022015). Collection method: clinical testing. Allele origin: germline.
Comment: This sequence change replaces glycine, which is neutral and non-polar, with arginine, which is basic and polar, at codon 798 of the ERCC6 protein (p.Gly798Arg). This variant is present in population databases (rs751703364, gnomAD 0.007%). This variant has not been reported in the literature in individuals affected with ERCC6-related conditions. Algorithms developed to predict the effect of missense changes on protein structure and function (SIFT, PolyPhen-2, Align-GVGD) all suggest that this variant is likely to be disruptive. Algorithms developed to predict the effect of sequence changes on RNA splicing suggest that this variant may create or strengthen a splice site. In summary, the available evidence is currently insufficient to determine the role of this variant in disease. Therefore, it has been classified as a Variant of Uncertain Significance.